The following is an entry in ClinVar:

NM_000352.6(ABCC8):c.398C>G (p.Pro133Arg)

Gene: ABCC8 (ATP binding cassette subfamily C member 8; minus strand). Cytogenetic location: 11p15.1.
Variant type: single nucleotide variant.
Coding change: c.398C>G on transcript NM_000352.6 (MANE Select); coding-DNA position 398, C replaced by G.
Protein change: p.Pro133Arg; replaces proline 133 with arginine.
Molecular consequence: missense variant. On other transcripts: non-coding transcript variant (1).
Genome position (GRCh38, 1-based): chr11:17,470,115, G>C on the plus strand (C>G on the coding strand, the complement: ABCC8 is on the minus strand). VCF-style: chr11-17470115-G-C. GRCh37 (hg19) VCF-style: chr11-17491662-G-C.
Other names: c.398C>G, p.Pro133Arg (NM_001287174.3, NM_001351295.2, NM_001351296.2 and 1 more transcripts); c.398C>G (NM_000352.4); short protein forms P133R.
Identifiers: ClinVar variation 2969761 (VCV002969761.4), dbSNP rs2496897244, ClinGen allele CA379783848.

ClinVar aggregate classification (germline): Conflicting classifications of pathogenicity. Review status: criteria provided, conflicting classifications (1 of 4 stars). 3 submissions from 3 submitters: Likely pathogenic (2); Uncertain significance (1). Last evaluated 2026-03-11.

Conditions:
ABCC8-related disorder.
Hyperinsulinemic hypoglycemia, familial, 1 (HHF1). Also called: Persistent hyperinsulinemic hypoglycemia of infancy; Persistent Hyperinsulinemia Hypoglycemia of Infancy; NESIDIOBLASTOSIS OF PANCREAS; HYPERINSULINISM, FAMILIAL, WITH PANCREATIC NESIDIOBLASTOSIS; HYPOGLYCEMIA, HYPERINSULINEMIC, OF INFANCY. Identifiers: Orphanet 276575, Orphanet 276598, MedGen C2931832, MONDO:0009734, OMIM 256450.

gnomAD v4.1: 1 of 1,614,140 alleles (0.000062%); highest among the groups gnomAD compares: Admixed American, 0.0017%; no homozygotes.

Submissions (3):

Myriad Genetics, Inc.
Classification: Likely pathogenic for Hyperinsulinemic hypoglycemia, familial, 1. Last evaluated: 2026-03-11. Review status: criteria provided, single submitter. Criteria: Myriad Autosomal Dominant, Autosomal Recessive and X-Linked Classification Criteria (2023). Collection method: clinical testing. Allele origin: unknown.
Comment: NM_000352.3(ABCC8):c.398C>G(P133R) is a missense variant classified as likely pathogenic in the context of familial hyperinsulinism, ABCC8-related. P133R has been observed in cases with relevant disease (PMID: 32027066, 41022322). Relevant functional assessments of this variant are available in the literature (PMID: 41022322). P133R has not been observed in referenced population frequency databases. In summary, NM_000352.3(ABCC8):c.398C>G(P133R) is a missense variant that has functional support for pathogenicity and has been observed more frequently in cases with the relevant disease than in healthy populations. Please note: this variant was assessed in the context of healthy population screening.

PreventionGenetics, part of Exact Sciences
Classification: Uncertain significance for ABCC8-related condition. Last evaluated: 2025-07-21. Review status: criteria provided, single submitter. Criteria: ACMG Guidelines, 2015. Collection method: clinical testing. Allele origin: germline.
Comment: The ABCC8 c.398C>G variant is predicted to result in the amino acid substitution p.Pro133Arg. This variant has been reported in the homozygous state in an individual with hyperinsulinism (Table 3, De Franco et al. 2020. PubMed ID: 32027066). This variant has not been reported in a large population database (gnomAD), indicating this variant is rare. Although we suspect that this variant may be pathogenic, at this time, the clinical significance of this variant is uncertain due to the absence of conclusive functional and genetic evidence.

Labcorp Genetics (formerly Invitae), Labcorp
Classification: Likely pathogenic. Last evaluated: 2023-12-15. Review status: criteria provided, single submitter. Criteria: Invitae Variant Classification Sherloc (09022015). Collection method: clinical testing. Allele origin: germline.
Comment: This sequence change replaces proline, which is neutral and non-polar, with arginine, which is basic and polar, at codon 133 of the ABCC8 protein (p.Pro133Arg). This variant is not present in population databases (gnomAD no frequency). This missense change has been observed in individuals with clinical features of autosomal recessive familial hyperinsulinism (PMID: 32027066). Advanced modeling of protein sequence and biophysical properties (such as structural, functional, and spatial information, amino acid conservation, physicochemical variation, residue mobility, and thermodynamic stability) performed at Invitae indicates that this missense variant is expected to disrupt ABCC8 protein function with a positive predictive value of 95%. In summary, the currently available evidence indicates that the variant is pathogenic, but additional data are needed to prove that conclusively. Therefore, this variant has been classified as Likely Pathogenic.

Literature cited by the submitters: PubMed 32027066 (cited by Myriad Genetics, Inc. and Labcorp Genetics (formerly Invitae), Labcorp); PubMed 41022322 (cited by Myriad Genetics, Inc.).